The following is an entry in ClinVar:

ClinVar aggregate classification (germline): Uncertain significance (1 of 4 stars; one submission).

gnomAD v4.1: 35 of 1,609,054 alleles (0.0022%); highest among the groups gnomAD compares: Middle Eastern, 0.017%; no homozygotes.

Submission:

Labcorp Genetics (formerly Invitae), Labcorp
Classification: Uncertain significance. Last evaluated: 2024-11-27. Review status: criteria provided, single submitter. Criteria: Invitae Variant Classification Sherloc (09022015). Collection method: clinical testing. Allele origin: germline.
Comment: This sequence change replaces threonine, which is neutral and polar, with methionine, which is neutral and non-polar, at codon 1558 of the NIN protein (p.Thr1558Met). This variant is present in population databases (rs776474311, gnomAD 0.02%). This variant has not been reported in the literature in individuals affected with NIN-related conditions. An algorithm developed to predict the effect of missense changes on protein structure and function (PolyPhen-2) suggests that this variant is likely to be tolerated. In summary, the available evidence is currently insufficient to determine the role of this variant in disease. Therefore, it has been classified as a Variant of Uncertain Significance.

NM_020921.4(NIN):c.4673C>T (p.Thr1558Met)

Gene: NIN (ninein; minus strand). Cytogenetic location: 14q22.1.
Variant type: single nucleotide variant.
Coding change: c.4673C>T on transcript NM_020921.4 (MANE Select); coding-DNA position 4673, C replaced by T.
Protein change: p.Thr1558Met; replaces threonine 1558 with methionine.
Molecular consequence: missense variant.
Genome position (GRCh38, 1-based): chr14:50,754,624, G>A on the plus strand (C>T on the coding strand, the complement: NIN is on the minus strand). VCF-style: chr14-50754624-G-A. GRCh37 (hg19) VCF-style: chr14-51221342-G-A.
Other names: c.2534C>T, p.Thr845Met (NM_016350.5); c.4673C>T, p.Thr1558Met (NM_182944.3, NM_182946.2); short protein forms T845M, T1558M.
Identifiers: ClinVar variation 3718409 (VCV003718409.2).